The following is an entry in ClinVar:

ClinVar aggregate classification (germline): Uncertain significance (1 of 4 stars; one submission).

Submission:

Labcorp Genetics (formerly Invitae), Labcorp
Classification: Uncertain significance. Last evaluated: 2024-10-08. Review status: criteria provided, single submitter. Criteria: Invitae Variant Classification Sherloc (09022015). Collection method: clinical testing. Allele origin: germline.
Comment: This sequence change replaces alanine, which is neutral and non-polar, with glycine, which is neutral and non-polar, at codon 1326 of the COL11A1 protein (p.Ala1326Gly). This variant is not present in population databases (gnomAD no frequency). This variant has not been reported in the literature in individuals affected with COL11A1-related conditions. An algorithm developed to predict the effect of missense changes on protein structure and function outputs the following: PolyPhen-2: "Not Available". The glycine amino acid residue is found in multiple mammalian species, which suggests that this missense change does not adversely affect protein function. In summary, the available evidence is currently insufficient to determine the role of this variant in disease. Therefore, it has been classified as a Variant of Uncertain Significance.

NM_001854.4(COL11A1):c.3977C>G (p.Ala1326Gly)

Gene: COL11A1 (collagen type XI alpha 1 chain; minus strand). Cytogenetic location: 1p21.1.
Variant type: single nucleotide variant.
Coding change: c.3977C>G on transcript NM_001854.4 (MANE Select); coding-DNA position 3977, C replaced by G.
Protein change: p.Ala1326Gly; replaces alanine 1326 with glycine.
Molecular consequence: missense variant. On other transcripts: non-coding transcript variant (1).
Genome position (GRCh38, 1-based): chr1:102,914,353, G>C on the plus strand (C>G on the coding strand, the complement: COL11A1 is on the minus strand). VCF-style: chr1-102914353-G-C. GRCh37 (hg19) VCF-style: chr1-103379909-G-C.
Other names: c.3860C>G, p.Ala1287Gly (NM_001190709.2); c.4013C>G, p.Ala1338Gly (NM_080629.3); c.3629C>G, p.Ala1210Gly (NM_080630.4); short protein forms A1338G, A1210G, A1287G, A1326G.
Identifiers: ClinVar variation 3686416 (VCV003686416.2).